The following is an entry in ClinVar:

NM_000179.3(MSH6):c.848_850dup (p.Gly283_Asp284insGly)

Gene: MSH6 (mutS homolog 6; plus strand). Cytogenetic location: 2p16.3.
Variant type: Duplication.
Coding change: c.848_850dup on transcript NM_000179.3 (MANE Select); coding-DNA positions 848 to 850, 3 bases duplicated (GGG; older notation c.848_850dupGGG).
Protein change: p.Gly283_Asp284insGly.
Molecular consequence: inframe insertion. On other transcripts: 5 prime UTR variant (2), inframe indel (28).
Genome position (GRCh38, 1-based): chr2:47,798,831-47,798,833, GGG duplicated; duplicating any 3 consecutive bases within chr2:47,798,829-47,798,833 gives the same sequence; the c. name uses the placement nearest the transcript's 3' end. VCF-style (leftmost placement, unchanged base first): chr2-47798828-T-TGGG. GRCh37 (hg19) VCF-style: chr2-48025967-T-TGGG.
Other names: c.848_850dupGGG (NM_000179.2); c.458_460dup, p.Gly153_Asp154insGly (NM_001281492.2); c.-59_-57dup (NM_001281493.2, NM_001281494.2, NM_001406811.1 and 6 more transcripts); c.944_946dup, p.Gly315_Asp316insGly (NM_001406795.1, NM_001406802.1); c.848_850dup, p.Gly283_Asp284insGly (NM_001406796.1, NM_001406798.1, NM_001406800.1 and 4 more transcripts); c.551_553dup, p.Gly184_Asp185insGly (NM_001406797.1, NM_001406801.1, NM_001406805.1 and 10 more transcripts); c.323_325dup, p.Gly108_Asp109insGly (NM_001406799.1, NM_001406806.1, NM_001406807.1); c.770_772dup, p.Gly257_Asp258insGly (NM_001406804.1); and 2 more.
Identifiers: ClinVar variation 2133945 (VCV002133945.5), dbSNP rs267608062, ClinGen allele CA073501.

ClinVar aggregate classification (germline): Uncertain significance. Review status: criteria provided, multiple submitters, no conflicts (2 of 4 stars). 2 submissions from 2 submitters: Uncertain significance (2). Last evaluated 2025-07-31.

Conditions:
Hereditary nonpolyposis colorectal neoplasms. Identifiers: MedGen C0009405, MeSH D003123.
Hereditary cancer-predisposing syndrome. Also called: Hereditary neoplastic syndrome; Hereditary Cancer Syndrome; Tumor predisposition; Neoplastic Syndromes, Hereditary. Identifiers: Orphanet 140162, MedGen C0027672, MeSH D009386, MONDO:0015356.

Submissions (2):

Labcorp Genetics (formerly Invitae), Labcorp
Classification: Uncertain significance for Hereditary nonpolyposis colorectal neoplasms. Last evaluated: 2025-07-31. Review status: criteria provided, single submitter. Criteria: Invitae Variant Classification Sherloc (09022015). Collection method: clinical testing. Allele origin: germline.
Comment: This variant, c.848_850dup, results in the insertion of 1 amino acid(s) of the MSH6 protein (p.Gly283dup), but otherwise preserves the integrity of the reading frame. This variant is present in population databases (rs267608062, gnomAD 0.003%). This variant has not been reported in the literature in individuals affected with MSH6-related conditions. ClinVar contains an entry for this variant (Variation ID: 2133945). In summary, the available evidence is currently insufficient to determine the role of this variant in disease. Therefore, it has been classified as a Variant of Uncertain Significance.

Ambry Genetics
Classification: Uncertain significance for Hereditary cancer-predisposing syndrome. Last evaluated: 2023-10-18. Review status: criteria provided, single submitter. Criteria: Ambry Variant Classification Scheme 2023. Collection method: clinical testing. Allele origin: germline.
Comment: The c.848_850dupGGG variant (also known as p.G283dup), located in coding exon 4 of the MSH6 gene, results from an in-frame duplication of GGG at nucleotide positions 848 to 850. This results in the duplication of an extra glycine residue between codons 283 and 284. This amino acid position is not well conserved in available vertebrate species. In addition, this alteration is predicted to be neutral by in silico analysis (Choi Y et al. PLoS ONE. 2012; 7(10):e46688). Since supporting evidence is limited at this time, the clinical significance of this alteration remains unclear.